The following is an entry in ClinVar:

ClinVar aggregate classification (germline): Uncertain significance (1 of 4 stars; one submission).

Submission:

Labcorp Genetics (formerly Invitae), Labcorp
Classification: Uncertain significance. Last evaluated: 2024-03-29. Review status: criteria provided, single submitter. Criteria: Invitae Variant Classification Sherloc (09022015). Collection method: clinical testing. Allele origin: germline.
Comment: This sequence change replaces cysteine, which is neutral and slightly polar, with serine, which is neutral and polar, at codon 1709 of the TET2 protein (p.Cys1709Ser). This variant is not present in population databases (gnomAD no frequency). This variant has not been reported in the literature in individuals affected with TET2-related conditions. An algorithm developed to predict the effect of missense changes on protein structure and function (PolyPhen-2) suggests that this variant is likely to be disruptive. In summary, the available evidence is currently insufficient to determine the role of this variant in disease. Therefore, it has been classified as a Variant of Uncertain Significance.

NM_001127208.3(TET2):c.5125T>A (p.Cys1709Ser)

Genes: TET2 (tet methylcytosine dioxygenase 2; plus strand), TET2-AS1 (TET2 antisense RNA 1; minus strand). Cytogenetic location: 4q24.
Variant type: single nucleotide variant.
Coding change: c.5125T>A on transcript NM_001127208.3 (MANE Select); coding-DNA position 5125, T replaced by A.
Protein change: p.Cys1709Ser; replaces cysteine 1709 with serine.
Molecular consequence: missense variant.
Genome position (GRCh38, 1-based): chr4:105,275,635, T>A. VCF-style: chr4-105275635-T-A. GRCh37 (hg19) VCF-style: chr4-106196792-T-A.
Other names: short protein forms C1709S.
Identifiers: ClinVar variation 3712716 (VCV003712716.2).